The following is an entry in ClinVar:

NM_000038.6(APC):c.1457A>T (p.Tyr486Phe)

Gene: APC (APC regulator of Wnt signaling pathway; plus strand). Cytogenetic location: 5q22.2.
Variant type: single nucleotide variant.
Coding change: c.1457A>T on transcript NM_000038.6 (MANE Select); coding-DNA position 1457, A replaced by T.
Protein change: p.Tyr486Phe; replaces tyrosine 486 with phenylalanine.
Molecular consequence: missense variant.
Genome position (GRCh38, 1-based): chr5:112,827,156, A>T. VCF-style: chr5-112827156-A-T. GRCh37 (hg19) VCF-style: chr5-112162853-A-T.
Other names: c.1457A>T, p.Tyr486Phe (NM_001127510.3, NM_001354895.2); c.1403A>T, p.Tyr468Phe (NM_001127511.3); c.1511A>T, p.Tyr504Phe (NM_001354896.2); c.1487A>T, p.Tyr496Phe (NM_001354897.2); c.1382A>T, p.Tyr461Phe (NM_001354898.2); c.1373A>T, p.Tyr458Phe (NM_001354899.2); c.1334A>T, p.Tyr445Phe (NM_001354900.2); c.1280A>T, p.Tyr427Phe (NM_001354901.2); and 5 more; short protein forms Y203F, Y326F, Y445F, Y458F, Y496F, Y360F, Y427F, Y461F.
Identifiers: ClinVar variation 1389832 (VCV001389832.8), dbSNP rs1580564828, ClinGen allele CA16024498.

ClinVar aggregate classification (germline): Uncertain significance (1 of 4 stars; one submission).

Conditions:
Familial adenomatous polyposis 1 (FAP1). Also called: FAMILIAL ADENOMATOUS POLYPOSIS 1, ATTENUATED; POLYPOSIS, ADENOMATOUS INTESTINAL. Identifiers: MedGen C2713442, MONDO:0021056, OMIM 175100. Disease mechanism: loss of function.

Submission:

Labcorp Genetics (formerly Invitae), Labcorp
Classification: Uncertain significance for Familial adenomatous polyposis 1. Last evaluated: 2024-04-04. Review status: criteria provided, single submitter. Criteria: Invitae Variant Classification Sherloc (09022015). Collection method: clinical testing. Allele origin: germline.
Comment: This sequence change replaces tyrosine, which is neutral and polar, with phenylalanine, which is neutral and non-polar, at codon 486 of the APC protein (p.Tyr486Phe). This variant is not present in population databases (gnomAD no frequency). This variant has not been reported in the literature in individuals affected with APC-related conditions. ClinVar contains an entry for this variant (Variation ID: 1389832). Advanced modeling of protein sequence and biophysical properties (such as structural, functional, and spatial information, amino acid conservation, physicochemical variation, residue mobility, and thermodynamic stability) performed at Invitae indicates that this missense variant is not expected to disrupt APC protein function with a negative predictive value of 95%. In summary, the available evidence is currently insufficient to determine the role of this variant in disease. Therefore, it has been classified as a Variant of Uncertain Significance.